The following is an entry in ClinVar:

ClinVar aggregate classification (germline): Likely benign. Review status: criteria provided, multiple submitters, no conflicts (2 of 4 stars). 5 submissions from 5 submitters: Likely benign (4). 1 of the submissions does not count toward it. Last evaluated 2025-12-20.

Conditions:
COL2A1-related disorder. Also called: COL2A1-related condition; COL2A1-related disorders.

Allele frequency attached by ClinVar (database versions not stated): ExAC 0.00002; gnomAD exomes 0.00003 and 0.00005; ESP Exome Variant Server 0.00008; gnomAD 0.00010 and 0.00011; TOPMed 0.00010; 1000 Genomes Project 30x 0.00031.
gnomAD v4.1: 59 of 1,611,986 alleles (0.0037%); highest among the groups gnomAD compares: African/African-American, 0.035%; no homozygotes.

Submissions (5):

Labcorp Genetics (formerly Invitae), Labcorp
Classification: Likely benign. Last evaluated: 2025-12-20. Review status: criteria provided, single submitter. Criteria: Invitae Variant Classification Sherloc (09022015). Collection method: clinical testing. Allele origin: germline.

Women's Health and Genetics/Laboratory Corporation of America, LabCorp
Classification: Likely benign. Last evaluated: 2024-10-01. Review status: criteria provided, single submitter. Criteria: LabCorp Variant Classification Summary - May 2015. Collection method: clinical testing. Allele origin: germline.
Comment: Variant summary: COL2A1 c.610-8C>T alters a non-conserved nucleotide located close to a canonical splice site and therefore could affect mRNA splicing, leading to a significantly altered protein sequence. Consensus agreement among computation tools predict no significant impact on normal splicing. However, these predictions have yet to be confirmed by functional studies. The variant allele was found at a frequency of 3.7e-05 in 1611986 control chromosomes. The observed variant frequency is approximately 3-fold of the estimated maximal expected allele frequency for a pathogenic variant in COL2A1 causing Achondrogenesis, Type II phenotype (1.3e-05), suggesting the variant is likely benign. To our knowledge, no occurrence of c.610-8C>T in individuals affected with Achondrogenesis, Type II and no experimental evidence demonstrating its impact on protein function have been reported. ClinVar contains an entry for this variant (Variation ID: 391053). Based on the evidence outlined above, the variant was classified as likely benign.

Blueprint Genetics
Classification: Likely benign. Last evaluated: 2024-08-30. Review status: criteria provided, single submitter. Criteria: ACMG Guidelines, 2015. Collection method: clinical testing. Allele origin: germline.

GeneDx
Classification: Likely benign. Last evaluated: 2020-07-30. Review status: criteria provided, single submitter. Criteria: GeneDx Variant Classification Process June 2021. Collection method: clinical testing. Allele origin: germline. Affected: yes.

PreventionGenetics, part of Exact Sciences
Classification: Likely benign for COL2A1-related condition. Last evaluated: 2022-10-24. Review status: no assertion criteria provided. Collection method: clinical testing. Allele origin: germline. Not counted in ClinVar's aggregate classification.
Comment: This variant is classified as likely benign based on ACMG/AMP sequence variant interpretation guidelines (Richards et al. 2015 PMID: 25741868, with internal and published modifications).

NM_001844.5(COL2A1):c.610-8C>T

Gene: COL2A1 (collagen type II alpha 1 chain; minus strand). Cytogenetic location: 12q13.11.
Variant type: single nucleotide variant.
Coding change: c.610-8C>T on transcript NM_001844.5 (MANE Select); 8 bases into the intron before coding-DNA position 610, C replaced by T.
Molecular consequence: intron variant.
Genome position (GRCh38, 1-based): chr12:47,995,927, G>A on the plus strand (C>T on the coding strand, the complement: COL2A1 is on the minus strand). VCF-style: chr12-47995927-G-A. GRCh37 (hg19) VCF-style: chr12-48389710-G-A.
Other names: c.403-8C>T (NM_033150.3).
Identifiers: ClinVar variation 391053 (VCV000391053.14), dbSNP rs369362701, ClinGen allele CA6535865.